The following is an entry in ClinVar:

NM_006915.3(RP2):c.425A>C (p.Asn142Thr)

Gene: RP2 (RP2 activator of ARL3 GTPase; plus strand). Cytogenetic location: Xp11.3.
Variant type: single nucleotide variant.
Coding change: c.425A>C on transcript NM_006915.3 (MANE Select); coding-DNA position 425, A replaced by C.
Protein change: p.Asn142Thr; replaces asparagine 142 with threonine.
Molecular consequence: missense variant.
Genome position (GRCh38, 1-based): chrX:46,853,798, A>C. VCF-style: chrX-46853798-A-C. GRCh37 (hg19) VCF-style: chrX-46713233-A-C.
Other names: short protein forms N142T.
Identifiers: ClinVar variation 3659376 (VCV003659376.2).

ClinVar aggregate classification (germline): Uncertain significance (1 of 4 stars; one submission).

gnomAD v4.1: 1 of 1,211,918 alleles (0.000083%); highest among the groups gnomAD compares: East Asian, 0.003%; no homozygotes.

Submission:

Labcorp Genetics (formerly Invitae), Labcorp
Classification: Uncertain significance. Last evaluated: 2024-07-12. Review status: criteria provided, single submitter. Criteria: Invitae Variant Classification Sherloc (09022015). Collection method: clinical testing. Allele origin: germline.
Comment: This sequence change replaces asparagine, which is neutral and polar, with threonine, which is neutral and polar, at codon 142 of the RP2 protein (p.Asn142Thr). This variant is present in population databases (rs782445650, gnomAD 0.008%). This variant has not been reported in the literature in individuals affected with RP2-related conditions. Advanced modeling of protein sequence and biophysical properties (such as structural, functional, and spatial information, amino acid conservation, physicochemical variation, residue mobility, and thermodynamic stability) has been performed at Invitae for this missense variant, however the output from this modeling did not meet the statistical confidence thresholds required to predict the impact of this variant on RP2 protein function. In summary, the available evidence is currently insufficient to determine the role of this variant in disease. Therefore, it has been classified as a Variant of Uncertain Significance.